The following is an entry in ClinVar:

NM_000382.3(ALDH3A2):c.1356dup (p.Phe453fs)

Gene: ALDH3A2 (aldehyde dehydrogenase 3 family member A2; plus strand). Cytogenetic location: 17p11.2.
Variant type: Duplication.
Coding change: c.1356dup on transcript NM_000382.3 (MANE Select); coding-DNA position 1356, one base duplicated (A; older notation c.1356dupA).
Protein change: p.Phe453fs; shifts the reading frame from phenylalanine 453.
Molecular consequence: frameshift variant. On other transcripts: intron variant (1).
Genome position (GRCh38, 1-based): chr17:19,671,869, A duplicated; the last of 4 consecutive A bases (chr17:19,671,866-19,671,869); duplicating any one gives the same sequence. VCF-style (leftmost placement, unchanged base first): chr17-19671865-G-GA. GRCh37 (hg19) VCF-style: chr17-19575178-G-GA.
Other names: c.1356dup, p.Phe453fs (NM_001031806.2, NM_001369136.1, NM_001369137.2 and 2 more transcripts); c.777dup, p.Phe260fs (NM_001369148.2); c.1208-3689dup (NM_001369146.2); short protein forms F453fs, F260fs.
Identifiers: ClinVar variation 2757024 (VCV002757024.3), dbSNP rs2544405828, ClinGen allele CA2636599366.
Genomic context (GRCh38, chr17:19,671,865, plus strand): 5'-AGAGAGAAGGTGCTAACAAACTCAGATATCCTCCCAACAGCCAGTCAAAGGTGGATTGGG[G>GA]AAAATTTTTTCTCTTGAAACGGTTCAACAAAGAAAAACTCGGTCTCCTGTTGCTCACTTT-3'

ClinVar aggregate classification (germline): Pathogenic (1 of 4 stars; one submission).

Submission:

Labcorp Genetics (formerly Invitae), Labcorp
Classification: Pathogenic. Last evaluated: 2023-11-08. Review status: criteria provided, single submitter. Criteria: Invitae Variant Classification Sherloc (09022015). Collection method: clinical testing. Allele origin: germline.
Comment: This sequence change results in a frameshift in the ALDH3A2 gene (p.Phe453Ilefs*52). While this is not anticipated to result in nonsense mediated decay, it is expected to disrupt the last 33 amino acid(s) of the ALDH3A2 protein and extend the protein by 18 additional amino acid residues. This variant is not present in population databases (gnomAD no frequency). This variant has not been reported in the literature in individuals affected with ALDH3A2-related conditions. This variant disrupts a region of the ALDH3A2 protein in which other variant(s) (p.Glu462Asnfs*13) have been determined to be pathogenic (PMID: 10233781). This suggests that this is a clinically significant region of the protein, and that variants that disrupt it are likely to be disease-causing. For these reasons, this variant has been classified as Pathogenic.

Literature cited by the submitters: PubMed 10233781.